The following is an entry in ClinVar:

NM_002234.4(KCNA5):c.1543A>G (p.Ile515Val)

Gene: KCNA5 (potassium voltage-gated channel subfamily A member 5; plus strand). Cytogenetic location: 12p13.32.
Variant type: single nucleotide variant.
Coding change: c.1543A>G on transcript NM_002234.4 (MANE Select); coding-DNA position 1543, A replaced by G.
Protein change: p.Ile515Val; replaces isoleucine 515 with valine.
Molecular consequence: missense variant.
Genome position (GRCh38, 1-based): chr12:5,045,690, A>G. VCF-style: chr12-5045690-A-G. GRCh37 (hg19) VCF-style: chr12-5154856-A-G.
Other names: short protein forms I515V.
Identifiers: ClinVar variation 2166996 (VCV002166996.4), dbSNP rs1366767842, ClinGen allele CA383466705.
Genomic context (GRCh38, chr12:5,045,690, plus strand): 5'-ATCGTGGGCTCGCTGTGTGCCATCGCCGGGGTCCTCACCATTGCCCTGCCTGTGCCCGTC[A>G]TCGTCTCCAACTTCAACTACTTCTACCACCGGGAAACGGATCACGAGGAGCCGGCAGTCC-3'
Protein context (NP_002225.2, residues 505-525): VLTIALPVPV[Ile515Val]VSNFNYFYHR

ClinVar aggregate classification (germline): Uncertain significance (1 of 4 stars; one submission).

Conditions:
Atrial fibrillation, familial, 7 (ATFB7). Identifiers: MedGen C2677106, MONDO:0012828, OMIM 612240.

Allele frequency attached by ClinVar (database versions not stated): gnomAD 0.00001; gnomAD exomes 0.00001; TOPMed 0.00001.
gnomAD v4.1: 4 of 1,614,062 alleles (0.00025%); highest among the groups gnomAD compares: Admixed American, 0.0017%; no homozygotes.

Submission:

Labcorp Genetics (formerly Invitae), Labcorp
Classification: Uncertain significance for Atrial fibrillation, familial, 7. Last evaluated: 2022-12-20. Review status: criteria provided, single submitter. Criteria: Invitae Variant Classification Sherloc (09022015). Collection method: clinical testing. Allele origin: germline.
Comment: In summary, the available evidence is currently insufficient to determine the role of this variant in disease. Therefore, it has been classified as a Variant of Uncertain Significance. Advanced modeling of protein sequence and biophysical properties (such as structural, functional, and spatial information, amino acid conservation, physicochemical variation, residue mobility, and thermodynamic stability) has been performed at Invitae for this missense variant, however the output from this modeling did not meet the statistical confidence thresholds required to predict the impact of this variant on KCNA5 protein function. This variant has not been reported in the literature in individuals affected with KCNA5-related conditions. This variant is present in population databases (no rsID available, gnomAD 0.003%). This sequence change replaces isoleucine, which is neutral and non-polar, with valine, which is neutral and non-polar, at codon 515 of the KCNA5 protein (p.Ile515Val).